The following is an entry in ClinVar:

ClinVar aggregate classification (germline): Uncertain significance (1 of 4 stars; one submission).

gnomAD v4.1: 1 of 1,548,546 alleles (0.000065%); highest among the groups gnomAD compares: Non-Finnish European, 0.000087%; no homozygotes.

Submission:

Labcorp Genetics (formerly Invitae), Labcorp
Classification: Uncertain significance. Last evaluated: 2024-08-02. Review status: criteria provided, single submitter. Criteria: Invitae Variant Classification Sherloc (09022015). Collection method: clinical testing. Allele origin: germline.
Comment: This sequence change replaces methionine, which is neutral and non-polar, with valine, which is neutral and non-polar, at codon 978 of the CDK13 protein (p.Met978Val). This variant is not present in population databases (gnomAD no frequency). This variant has not been reported in the literature in individuals affected with CDK13-related conditions. Advanced modeling of protein sequence and biophysical properties (such as structural, functional, and spatial information, amino acid conservation, physicochemical variation, residue mobility, and thermodynamic stability) performed at Invitae indicates that this missense variant is expected to disrupt CDK13 protein function with a positive predictive value of 95%. In summary, the available evidence is currently insufficient to determine the role of this variant in disease. Therefore, it has been classified as a Variant of Uncertain Significance.

NM_003718.5(CDK13):c.2932A>G (p.Met978Val)

Gene: CDK13 (cyclin dependent kinase 13; plus strand). Cytogenetic location: 7p14.1.
Variant type: single nucleotide variant.
Coding change: c.2932A>G on transcript NM_003718.5 (MANE Select); coding-DNA position 2932, A replaced by G.
Protein change: p.Met978Val; replaces methionine 978 with valine.
Molecular consequence: missense variant.
Genome position (GRCh38, 1-based): chr7:40,078,754, A>G. VCF-style: chr7-40078754-A-G. GRCh37 (hg19) VCF-style: chr7-40118353-A-G.
Other names: c.2932A>G, p.Met978Val (NM_031267.4); short protein forms M978V.
Identifiers: ClinVar variation 3661213 (VCV003661213.2).